The following is an entry in ClinVar:

NM_000478.6(ALPL):c.1214C>G (p.Thr405Arg)

Gene: ALPL (alkaline phosphatase, biomineralization associated; plus strand). Cytogenetic location: 1p36.12.
Variant type: single nucleotide variant.
Coding change: c.1214C>G on transcript NM_000478.6 (MANE Select); coding-DNA position 1214, C replaced by G.
Protein change: p.Thr405Arg; replaces threonine 405 with arginine.
Molecular consequence: missense variant.
Genome position (GRCh38, 1-based): chr1:21,576,546, C>G. VCF-style: chr1-21576546-C-G. GRCh37 (hg19) VCF-style: chr1-21903039-C-G.
Other names: c.1049C>G, p.Thr350Arg (NM_001127501.4); c.983C>G, p.Thr328Arg (NM_001177520.3); c.1214C>G, p.Thr405Arg (NM_001369803.2, NM_001369804.2, NM_001369805.2); short protein forms T328R, T350R, T405R.
Identifiers: ClinVar variation 2503330 (VCV002503330.1), dbSNP rs2545347187, ClinGen allele CA338881702.

ClinVar aggregate classification (germline): Uncertain significance (1 of 4 stars; one submission).

Allele frequency attached by ClinVar (database versions not stated): gnomAD exomes below 0.00001.
gnomAD v4.1: 1 of 1,613,970 alleles (0.000062%); highest among the groups gnomAD compares: Non-Finnish European, 0.000085%; no homozygotes.

Submission:

GeneDx
Classification: Uncertain significance. Last evaluated: 2022-11-23. Review status: criteria provided, single submitter. Criteria: GeneDx Variant Classification Process June 2021. Collection method: clinical testing. Allele origin: germline. Affected: yes.
Comment: Not observed at significant frequency in large population cohorts (gnomAD); In silico analysis supports that this missense variant does not alter protein structure/function; Has not been previously published as pathogenic or benign to our knowledge